The following is an entry in ClinVar:

NM_000432.4(MYL2):c.395A>T (p.Lys132Met)

Gene: MYL2 (myosin light chain 2; minus strand). Cytogenetic location: 12q24.11.
Variant type: single nucleotide variant.
Coding change: c.395A>T on transcript NM_000432.4 (MANE Select); coding-DNA position 395, A replaced by T.
Protein change: p.Lys132Met; replaces lysine 132 with methionine.
Molecular consequence: missense variant.
Genome position (GRCh38, 1-based): chr12:110,913,103, T>A on the plus strand (A>T on the coding strand, the complement: MYL2 is on the minus strand). VCF-style: chr12-110913103-T-A. GRCh37 (hg19) VCF-style: chr12-111350907-T-A.
Other names: c.353A>T, p.Lys118Met (NM_001406745.1, NM_001406746.1); c.338A>T, p.Lys113Met (NM_001406916.1); short protein forms K113M, K118M, K132M.
Identifiers: ClinVar variation 3069966 (VCV003069966.1), dbSNP rs2499808238, ClinGen allele CA386697703.

ClinVar aggregate classification (germline): Uncertain significance (1 of 4 stars; one submission).

Conditions:
Hypertrophic cardiomyopathy. Also called: HYPERTROPHIC MYOCARDIOPATHY. Identifiers: Orphanet 217569, MedGen C0007194, MeSH D002312, MONDO:0005045, HP:0001639.

Submission:

All of Us Research Program, National Institutes of Health
Classification: Uncertain significance for Hypertrophic cardiomyopathy. Last evaluated: 2023-03-28. Review status: criteria provided, single submitter. Criteria: ACMG Guidelines, 2015. Collection method: clinical testing. Allele origin: germline. Inheritance: Autosomal dominant inheritance. Observed: 1 variant allele, 1 heterozygote.
Comment: This study involves interpretation of variants in research participants for the purpose of population health screening. Participant phenotype was not available at the time of variant classification. Additional details can be found in publication PMID: 35346344, PMCID: PMC8962531